The following is an entry in ClinVar:

NM_024537.4(CARS2):c.1040G>A (p.Ser347Asn)

Gene: CARS2 (cysteinyl-tRNA synthetase 2, mitochondrial; minus strand). Cytogenetic location: 13q34.
Variant type: single nucleotide variant.
Coding change: c.1040G>A on transcript NM_024537.4 (MANE Select); coding-DNA position 1040, G replaced by A.
Protein change: p.Ser347Asn; replaces serine 347 with asparagine.
Molecular consequence: missense variant. On other transcripts: non-coding transcript variant (2).
Genome position (GRCh38, 1-based): chr13:110,651,048, C>T on the plus strand (G>A on the coding strand, the complement: CARS2 is on the minus strand). VCF-style: chr13-110651048-C-T. GRCh37 (hg19) VCF-style: chr13-111303395-C-T.
Other names: c.254G>A, p.Ser85Asn (NM_001352252.2); short protein forms S347N, S85N.
Identifiers: ClinVar variation 845945 (VCV000845945.7), dbSNP rs1052359973, ClinGen allele CA256326572.

ClinVar aggregate classification (germline): Uncertain significance (1 of 4 stars; one submission).

Conditions:
Combined oxidative phosphorylation defect type 27. Also called: Combined oxidative phosphorylation deficiency 27. Identifiers: Orphanet 477774, MedGen C5567608, MONDO:0014728, OMIM 616672.

Allele frequency attached by ClinVar (database versions not stated): gnomAD exomes below 0.00001; TOPMed 0.00002; gnomAD 0.00003.
gnomAD v4.1: 5 of 1,613,172 alleles (0.00031%); highest among the groups gnomAD compares: African/African-American, 0.0067%; no homozygotes.

Submission:

Labcorp Genetics (formerly Invitae), Labcorp
Classification: Uncertain significance for Combined oxidative phosphorylation defect type 27. Last evaluated: 2021-08-26. Review status: criteria provided, single submitter. Criteria: Invitae Variant Classification Sherloc (09022015). Collection method: clinical testing. Allele origin: germline.
Comment: This sequence change replaces serine with asparagine at codon 347 of the CARS2 protein (p.Ser347Asn). The serine residue is moderately conserved and there is a small physicochemical difference between serine and asparagine. This variant is not present in population databases (ExAC no frequency). This variant has not been reported in the literature in individuals affected with CARS2-related conditions. Algorithms developed to predict the effect of missense changes on protein structure and function are either unavailable or do not agree on the potential impact of this missense change (SIFT: "Tolerated"; PolyPhen-2: "Probably Damaging"; Align-GVGD: "Class C0"). In summary, the available evidence is currently insufficient to determine the role of this variant in disease. Therefore, it has been classified as a Variant of Uncertain Significance.